The following is an entry in ClinVar:

ClinVar aggregate classification (germline): Uncertain significance. Review status: criteria provided, multiple submitters, no conflicts (2 of 4 stars). 3 submissions from 3 submitters: Uncertain significance (3). Last evaluated 2025-01-06.

Conditions:
Familial pancreatic carcinoma. Identifiers: Orphanet 1333, MedGen C2931038, MONDO:0015278, OMIM 260350.
Hereditary cancer-predisposing syndrome. Also called: Tumor predisposition; Hereditary Cancer Syndrome; Hereditary neoplastic syndrome; Neoplastic Syndromes, Hereditary. Identifiers: Orphanet 140162, MedGen C0027672, MeSH D009386, MONDO:0015356.
Familial cancer of breast. Also called: hereditary breast carcinoma; BREAST CANCER, FAMILIAL; Hereditary breast cancer. Identifiers: Orphanet 227535, MedGen C0346153, MONDO:0016419, OMIM 114480. Disease mechanism: loss of function.

Submissions (3):

Ambry Genetics
Classification: Uncertain significance for Hereditary cancer-predisposing syndrome. Last evaluated: 2025-01-06. Review status: criteria provided, single submitter. Criteria: Ambry Variant Classification Scheme 2023. Collection method: clinical testing. Allele origin: germline.
Comment: The p.A1025V variant (also known as c.3074C>T), located in coding exon 10 of the PALB2 gene, results from a C to T substitution at nucleotide position 3074. The alanine at codon 1025 is replaced by valine, an amino acid with similar properties. This amino acid position is well conserved in available vertebrate species. In addition, this alteration is predicted to be tolerated by in silico analysis. Since supporting evidence is limited at this time, the clinical significance of this alteration remains unclear.

Labcorp Genetics (formerly Invitae), Labcorp
Classification: Uncertain significance for Familial cancer of breast. Last evaluated: 2024-09-21. Review status: criteria provided, single submitter. Criteria: Invitae Variant Classification Sherloc (09022015). Collection method: clinical testing. Allele origin: germline.
Comment: This sequence change replaces alanine, which is neutral and non-polar, with valine, which is neutral and non-polar, at codon 1025 of the PALB2 protein (p.Ala1025Val). This variant is not present in population databases (gnomAD no frequency). This variant has not been reported in the literature in individuals affected with PALB2-related conditions. ClinVar contains an entry for this variant (Variation ID: 486000). Invitae Evidence Modeling of protein sequence and biophysical properties (such as structural, functional, and spatial information, amino acid conservation, physicochemical variation, residue mobility, and thermodynamic stability) indicates that this missense variant is expected to disrupt PALB2 protein function with a positive predictive value of 80%. In summary, the available evidence is currently insufficient to determine the role of this variant in disease. Therefore, it has been classified as a Variant of Uncertain Significance.

Department of Pathology and Laboratory Medicine, Sinai Health System
Classification: Uncertain significance for Familial pancreatic carcinoma. Last evaluated: 2021-02-01. Review status: criteria provided, single submitter. Criteria: ACMG Guidelines, 2015. Collection method: clinical testing. Allele origin: germline. Affected: yes.

NM_024675.4(PALB2):c.3074C>T (p.Ala1025Val)

Gene: PALB2 (partner and localizer of BRCA2; minus strand). Cytogenetic location: 16p12.2.
Variant type: single nucleotide variant.
Coding change: c.3074C>T on transcript NM_024675.4 (MANE Select); coding-DNA position 3074, C replaced by T.
Protein change: p.Ala1025Val; replaces alanine 1025 with valine.
Molecular consequence: missense variant.
Genome position (GRCh38, 1-based): chr16:23,621,401, G>A on the plus strand (C>T on the coding strand, the complement: PALB2 is on the minus strand). VCF-style: chr16-23621401-G-A. GRCh37 (hg19) VCF-style: chr16-23632722-G-A.
Other names: short protein forms A1025V.
Identifiers: ClinVar variation 486000 (VCV000486000.14), dbSNP rs1555459378, ClinGen allele CA395142933.
Genomic context (GRCh38, chr16:23,621,401, plus strand): 5'-GGACCTAGAGGGAAAGCTTACCAAATAACAATGTTGTTCATAATAGTAGTACCAAGCAGA[G>A]CTTCTTGCATCCCTTGGACCTCAGCAAAAGTTAGTATAGTCTCCTCAGGGGGCATCAAAA-3'
Protein context (NP_078951.2, residues 1015-1035): TFAEVQGMQE[Ala1025Val]LLGTTIMNNI